The following is an entry in ClinVar:

ClinVar aggregate classification (germline): Uncertain significance. Review status: criteria provided, single submitter (1 of 4 stars). 2 submissions from 2 submitters: Uncertain significance (1). 1 of the submissions does not count toward it. Last evaluated 2021-09-02.

Conditions:
Hereditary spastic paraplegia 49 (HSAN9). Also called: TECPR2-Related Hereditary Sensory and Autonomic Neuropathy with Intellectual Disability; Spastic paraplegia 49, autosomal recessive; NEUROPATHY, HEREDITARY SENSORY AND AUTONOMIC, TYPE IX, WITH DEVELOPMENTAL DELAY. Identifiers: Orphanet 320385, MedGen C5190860, MONDO:0014016, OMIM 615031.

Allele frequency attached by ClinVar (database versions not stated): gnomAD 0.00001; TOPMed 0.00001.
gnomAD v4.1: 24 of 1,612,916 alleles (0.0015%); highest among the groups gnomAD compares: Non-Finnish European, 0.0019%; no homozygotes.

Submissions (2):

Labcorp Genetics (formerly Invitae), Labcorp
Classification: Uncertain significance for Hereditary spastic paraplegia 49. Last evaluated: 2021-09-02. Review status: criteria provided, single submitter. Criteria: Invitae Variant Classification Sherloc (09022015). Collection method: clinical testing. Allele origin: germline.
Comment: This sequence change replaces arginine with glycine at codon 1172 of the TECPR2 protein (p.Arg1172Gly). The arginine residue is weakly conserved and there is a moderate physicochemical difference between arginine and glycine. This variant is not present in population databases (ExAC no frequency). This variant has not been reported in the literature in individuals affected with TECPR2-related conditions. Algorithms developed to predict the effect of missense changes on protein structure and function (SIFT, PolyPhen-2, Align-GVGD) all suggest that this variant is likely to be tolerated. In summary, the available evidence is currently insufficient to determine the role of this variant in disease. Therefore, it has been classified as a Variant of Uncertain Significance.

Natera, Inc.
Classification: Uncertain significance for Autosomal recessive spastic paraplegia type 49. Last evaluated: 2021-04-19. Review status: no assertion criteria provided. Collection method: clinical testing. Allele origin: germline. Not counted in ClinVar's aggregate classification.

NM_014844.5(TECPR2):c.3514C>G (p.Arg1172Gly)

Gene: TECPR2 (tectonin beta-propeller repeat containing 2; plus strand). Cytogenetic location: 14q32.31.
Variant type: single nucleotide variant.
Coding change: c.3514C>G on transcript NM_014844.5 (MANE Select); coding-DNA position 3514, C replaced by G.
Protein change: p.Arg1172Gly; replaces arginine 1172 with glycine.
Molecular consequence: missense variant.
Genome position (GRCh38, 1-based): chr14:102,452,501, C>G. VCF-style: chr14-102452501-C-G. GRCh37 (hg19) VCF-style: chr14-102918838-C-G.
Other names: c.3514C>G, p.Arg1172Gly (NM_001172631.3); short protein forms R1172G.
Identifiers: ClinVar variation 582119 (VCV000582119.11), dbSNP rs762957508, ClinGen allele CA391068836.